The following is an entry in ClinVar:

NM_001352754.2(ARMC9):c.254C>T (p.Ser85Phe)

Gene: ARMC9 (armadillo repeat containing 9; plus strand). Cytogenetic location: 2q37.1.
Variant type: single nucleotide variant.
Coding change: c.254C>T on transcript NM_001352754.2 (MANE Select); coding-DNA position 254, C replaced by T.
Protein change: p.Ser85Phe; replaces serine 85 with phenylalanine.
Molecular consequence: missense variant. On other transcripts: non-coding transcript variant (1).
Genome position (GRCh38, 1-based): chr2:231,214,907, C>T. VCF-style: chr2-231214907-C-T. GRCh37 (hg19) VCF-style: chr2-232079620-C-T.
Other names: c.254C>T, p.Ser85Phe (NM_001271466.4, NM_001291656.2, NM_001352755.2 and 5 more transcripts); c.254C>T (NM_025139.5); short protein forms S85F.
Identifiers: ClinVar variation 1366150 (VCV001366150.4), dbSNP rs140272259, ClinGen allele CA2159886.

ClinVar aggregate classification (germline): Uncertain significance. Review status: criteria provided, multiple submitters, no conflicts (2 of 4 stars). 2 submissions from 2 submitters: Uncertain significance (2). Last evaluated 2023-06-30.

Allele frequency attached by ClinVar (database versions not stated): gnomAD exomes 0.00001 and 0.00002; ExAC 0.00002; ESP Exome Variant Server 0.00008; gnomAD 0.00009; TOPMed 0.00010.
gnomAD v4.1: 22 of 1,613,984 alleles (0.0014%); highest among the groups gnomAD compares: African/African-American, 0.025%; no homozygotes.

Submissions (2):

Labcorp Genetics (formerly Invitae), Labcorp
Classification: Uncertain significance. Last evaluated: 2023-06-30. Review status: criteria provided, single submitter. Criteria: Invitae Variant Classification Sherloc (09022015). Collection method: clinical testing. Allele origin: germline.
Comment: Experimental studies and prediction algorithms are not available or were not evaluated, and the functional significance of this variant is currently unknown. In summary, the available evidence is currently insufficient to determine the role of this variant in disease. Therefore, it has been classified as a Variant of Uncertain Significance. ClinVar contains an entry for this variant (Variation ID: 1366150). This variant has not been reported in the literature in individuals affected with ARMC9-related conditions. This variant is present in population databases (rs140272259, gnomAD 0.02%). This sequence change replaces serine, which is neutral and polar, with phenylalanine, which is neutral and non-polar, at codon 85 of the ARMC9 protein (p.Ser85Phe).

GeneDx
Classification: Uncertain significance. Last evaluated: 2021-06-15. Review status: criteria provided, single submitter. Criteria: GeneDx Variant Classification Process June 2021. Collection method: clinical testing. Allele origin: germline. Affected: yes.
Comment: In silico analysis supports that this missense variant has a deleterious effect on protein structure/function; Has not been previously published as pathogenic or benign to our knowledge; This variant is associated with the following publications: (PMID: 27535533)